The following is an entry in ClinVar:

NM_032447.5(FBN3):c.4667G>T (p.Arg1556Leu)

Gene: FBN3 (fibrillin 3; minus strand). Cytogenetic location: 19p13.2.
Variant type: single nucleotide variant.
Coding change: c.4667G>T on transcript NM_032447.5 (MANE Select); coding-DNA position 4667, G replaced by T.
Protein change: p.Arg1556Leu; replaces arginine 1556 with leucine.
Molecular consequence: missense variant.
Genome position (GRCh38, 1-based): chr19:8,108,190, C>A on the plus strand (G>T on the coding strand, the complement: FBN3 is on the minus strand). VCF-style: chr19-8108190-C-A. GRCh37 (hg19) VCF-style: chr19-8173074-C-A.
Other names: c.4667G>T, p.Arg1556Leu (NM_001321431.2); short protein forms R1556L.
Identifiers: ClinVar variation 1489542 (VCV001489542.6), dbSNP rs773094791, ClinGen allele CA9151966.

ClinVar aggregate classification (germline): Uncertain significance (1 of 4 stars; one submission).

gnomAD v4.1: 13 of 1,612,448 alleles (0.00081%); highest among the groups gnomAD compares: Non-Finnish European, 0.0011%; no homozygotes.

Submission:

Labcorp Genetics (formerly Invitae), Labcorp
Classification: Uncertain significance. Last evaluated: 2023-08-31. Review status: criteria provided, single submitter. Criteria: Invitae Variant Classification Sherloc (09022015). Collection method: clinical testing. Allele origin: germline.
Comment: This sequence change replaces arginine, which is basic and polar, with leucine, which is neutral and non-polar, at codon 1556 of the FBN3 protein (p.Arg1556Leu). This variant is not present in population databases (gnomAD no frequency). This variant has not been reported in the literature in individuals affected with FBN3-related conditions. ClinVar contains an entry for this variant (Variation ID: 1489542). Advanced modeling of protein sequence and biophysical properties (such as structural, functional, and spatial information, amino acid conservation, physicochemical variation, residue mobility, and thermodynamic stability) performed at Invitae indicates that this missense variant is not expected to disrupt FBN3 protein function. In summary, the available evidence is currently insufficient to determine the role of this variant in disease. Therefore, it has been classified as a Variant of Uncertain Significance.